The following is an entry in ClinVar:

NM_006306.4(SMC1A):c.1829A>G (p.Gln610Arg)

Gene: SMC1A (structural maintenance of chromosomes 1A; minus strand). Cytogenetic location: Xp11.22.
Variant type: single nucleotide variant.
Coding change: c.1829A>G on transcript NM_006306.4 (MANE Select); coding-DNA position 1829, A replaced by G.
Protein change: p.Gln610Arg; replaces glutamine 610 with arginine.
Molecular consequence: missense variant.
Genome position (GRCh38, 1-based): chrX:53,405,575, T>C on the plus strand (A>G on the coding strand, the complement: SMC1A is on the minus strand). VCF-style: chrX-53405575-T-C. GRCh37 (hg19) VCF-style: chrX-53432507-T-C.
Other names: c.1763A>G, p.Gln588Arg (NM_001281463.1); short protein forms Q588R, Q610R.
Identifiers: ClinVar variation 2436144 (VCV002436144.5), dbSNP rs2520929027, ClinGen allele CA413252981.

ClinVar aggregate classification (germline): Uncertain significance. Review status: criteria provided, multiple submitters, no conflicts (2 of 4 stars). 3 submissions from 2 submitters: Uncertain significance (3). Last evaluated 2024-01-01.

Conditions:
Congenital muscular hypertrophy-cerebral syndrome (CDLS2). Also called: Cornelia de Lange syndrome 2; SMC1A-Related Cornelia de Lange Syndrome. Identifiers: Orphanet 199, MedGen C1802395, MONDO:0010370, OMIM 300590.
SMC1A-related disorder. Also called: SMC1A-related condition.

Submissions (3):

Daryl Scott Lab, Baylor College of Medicine
Classification: Uncertain significance for SMC1A-related disorder. Last evaluated: 2024-01-01. Review status: criteria provided, single submitter. Criteria: ACMG Guidelines, 2015. Collection method: clinical testing. Allele origin: maternal. Observed: 1 heterozygote.
Comment: PM2, PP3

Daryl Scott Lab, Baylor College of Medicine
Classification: Uncertain significance for Congenital muscular hypertrophy-cerebral syndrome. Last evaluated: 2023-11-10. Review status: criteria provided, single submitter. Criteria: ACMG Guidelines, 2015. Collection method: clinical testing. Allele origin: maternal.

Revvity Omics, Revvity
Classification: Uncertain significance. Last evaluated: 2022-04-18. Review status: criteria provided, single submitter. Criteria: ACMG Guidelines, 2015. Collection method: clinical testing. Allele origin: germline.